The following is an entry in ClinVar:

NM_000163.5(GHR):c.372_378del (p.Tyr125fs)

Gene: GHR (growth hormone receptor; plus strand). Cytogenetic location: 5p12.
Variant type: Deletion.
Coding change: c.372_378del on transcript NM_000163.5 (MANE Select); coding-DNA positions 372 to 378, 7 bases deleted (TTATTGT; older notation c.372_378delTTATTGT).
Protein change: p.Tyr125fs; shifts the reading frame from tyrosine 125.
Molecular consequence: frameshift variant.
Genome position (GRCh38, 1-based): chr5:42,695,022-42,695,028, TTATTGT deleted. VCF-style (leftmost placement, unchanged base first): chr5-42695021-CTTATTGT-C. GRCh37 (hg19) VCF-style: chr5-42695123-CTTATTGT-C.
Other names: c.393_399del, p.Tyr132fs (NM_001242399.2); c.372_378del, p.Tyr125fs (NM_001242400.2, NM_001242401.4, NM_001242402.2 and 5 more transcripts); c.306_312del, p.Tyr103fs (NM_001242460.2); short protein forms Y103fs, Y125fs, Y132fs.
Identifiers: ClinVar variation 4708877 (VCV004708877.1).

ClinVar aggregate classification (germline): Pathogenic (1 of 4 stars; one submission).

Submission:

Labcorp Genetics (formerly Invitae), Labcorp
Classification: Pathogenic. Last evaluated: 2025-10-14. Review status: criteria provided, single submitter. Criteria: Invitae Variant Classification Sherloc (09022015). Collection method: clinical testing. Allele origin: germline.
Comment: This sequence change creates a premature translational stop signal (p.Tyr125Serfs*3) in the GHR gene. It is expected to result in an absent or disrupted protein product. Loss-of-function variants in GHR are known to be pathogenic (PMID: 1999489, 8488849). This variant is not present in population databases (gnomAD no frequency). This variant has not been reported in the literature in individuals affected with GHR-related conditions. For these reasons, this variant has been classified as Pathogenic.

Literature cited by the submitters: PubMed 1999489; PubMed 8488849.